The following is an entry in ClinVar:

NM_003070.5(SMARCA2):c.3456G>C (p.Gln1152His)

Gene: SMARCA2 (SWI/SNF related, matrix associated, actin dependent regulator of chromatin, subfamily a, member 2; plus strand). Cytogenetic location: 9p24.3.
Variant type: single nucleotide variant.
Coding change: c.3456G>C on transcript NM_003070.5 (MANE Select); coding-DNA position 3456, G replaced by C.
Protein change: p.Gln1152His; replaces glutamine 1152 with histidine.
Molecular consequence: missense variant.
Genome position (GRCh38, 1-based): chr9:2,110,417, G>C. VCF-style: chr9-2110417-G-C. GRCh37 (hg19) VCF-style: chr9-2110417-G-C.
Other names: c.3456G>C, p.Gln1152His (NM_001289396.2, NM_139045.4); c.3282G>C, p.Gln1094His (NM_001289397.2); short protein forms Q1152H, Q1094H.
Identifiers: ClinVar variation 429419 (VCV000429419.2), dbSNP rs1131691369, ClinGen allele CA372788322.

ClinVar aggregate classification (germline): Likely pathogenic (1 of 4 stars; one submission).

Submission:

GeneDx
Classification: Likely pathogenic. Last evaluated: 2017-05-08. Review status: criteria provided, single submitter. Criteria: GeneDx Variant Classification (06012015). Collection method: clinical testing. Allele origin: germline. Affected: yes.
Comment: The Q1152H variant in the SMARCA2 gene has not been reported previously as a pathogenic variant, nor as a benign variant, to our knowledge. This variant is not observed in large population cohorts (Lek et al., 2016; 1000 Genomes Consortium et al., 2015; Exome Variant Server). The Q1152H variant is a semi-conservative amino acid substitution, which may impact secondary protein structure as these residues differ in some properties. This substitution occurs at a position that is conserved across species, and In silico analysis predicts this variant is probably damaging to the protein structure/function. Based on currently available evidence, we interpret Q1152H as a likely pathogenic variant.